The following is an entry in ClinVar:

ClinVar aggregate classification (germline): Uncertain significance (1 of 4 stars; one submission).

Conditions:
SEMA3F-related disorder. Also called: SEMA3F-related condition.

gnomAD v4.1: 3 of 1,613,972 alleles (0.00019%); highest among the groups gnomAD compares: Non-Finnish European, 0.00025%; no homozygotes.

Submission:

PreventionGenetics, part of Exact Sciences
Classification: Uncertain significance for SEMA3F-related condition. Last evaluated: 2026-03-25. Review status: criteria provided, single submitter. Criteria: ACMG Guidelines, 2015. Collection method: clinical testing. Allele origin: germline.
Comment: The SEMA3F c.1531G>A variant is predicted to result in the amino acid substitution p.Val511Met. To our knowledge, this variant has not been reported in the literature or in a large population database (gnomAD), indicating this variant is rare. At this time, the clinical significance of this variant is uncertain due to the absence of conclusive functional and genetic evidence.

NM_004186.5(SEMA3F):c.1531G>A (p.Val511Met)

Gene: SEMA3F (semaphorin 3F; plus strand). Cytogenetic location: 3p21.31.
Variant type: single nucleotide variant.
Coding change: c.1531G>A on transcript NM_004186.5 (MANE Select); coding-DNA position 1531, G replaced by A.
Protein change: p.Val511Met; replaces valine 511 with methionine.
Molecular consequence: missense variant.
Genome position (GRCh38, 1-based): chr3:50,185,517, G>A. VCF-style: chr3-50185517-G-A. GRCh37 (hg19) VCF-style: chr3-50222950-G-A.
Other names: c.1234G>A, p.Val412Met (NM_001318798.2); c.1438G>A, p.Val480Met (NM_001318800.2); short protein forms V511M, V412M, V480M.
Identifiers: ClinVar variation 4982597 (VCV004982597.1).